The following is an entry in ClinVar:

NM_025114.4(CEP290):c.7434T>G (p.Ile2478Met)

Genes: CEP290 (centrosomal protein 290; minus strand), RLIG1 (RNA 5'-phosphate and 3'-OH ligase 1; plus strand). Cytogenetic location: 12q21.32.
Variant type: single nucleotide variant.
Coding change: c.7434T>G on transcript NM_025114.4 (MANE Select); coding-DNA position 7434, T replaced by G.
Protein change: p.Ile2478Met; replaces isoleucine 2478 with methionine.
Molecular consequence: missense variant. On other transcripts: 3 prime UTR variant (1).
Genome position (GRCh38, 1-based): chr12:88,049,190, A>C on the plus strand (T>G on the coding strand, the complement: CEP290 is on the minus strand). VCF-style: chr12-88049190-A-C. GRCh37 (hg19) VCF-style: chr12-88442967-A-C.
Other names: c.*768A>C (NM_001009894.3); short protein forms I2478M.
Identifiers: ClinVar variation 4787231 (VCV004787231.1).

ClinVar aggregate classification (germline): Uncertain significance (1 of 4 stars; one submission).

Conditions:
Meckel-Gruber syndrome. Also called: GRUBER SYNDROME; DYSENCEPHALIA SPLANCHNOCYSTICA; Dysencephalia splachnocystica. Identifiers: Orphanet 564, MedGen C0265215, MONDO:0018921.
Joubert syndrome. Also called: Familial aplasia of the vermis; JOUBERT-BOLTSHAUSER SYNDROME; CEREBELLOPARENCHYMAL DISORDER IV. Identifiers: Orphanet 475, MedGen C5979921, MONDO:0018772.
Nephronophthisis. Also called: Juvenile Nephronophthisis. Identifiers: Orphanet 655, MedGen C0687120, MONDO:0019005, HP:0000090.

Submission:

Labcorp Genetics (formerly Invitae), Labcorp
Classification: Uncertain significance for Joubert syndrome; Meckel-Gruber syndrome; Nephronophthisis. Last evaluated: 2026-01-11. Review status: criteria provided, single submitter. Criteria: Invitae Variant Classification Sherloc (09022015). Collection method: clinical testing. Allele origin: germline.
Comment: This sequence change replaces isoleucine, which is neutral and non-polar, with methionine, which is neutral and non-polar, at codon 2478 of the CEP290 protein (p.Ile2478Met). This variant is not present in population databases (gnomAD no frequency). This variant has not been reported in the literature in individuals affected with CEP290-related conditions. An algorithm developed to predict the effect of missense changes on protein structure and function (PolyPhen-2) suggests that this variant is likely to be disruptive. In summary, the available evidence is currently insufficient to determine the role of this variant in disease. Therefore, it has been classified as a Variant of Uncertain Significance.